The following is an entry in ClinVar:

NM_031372.4(HNRNPDL):c.222_244del (p.Ile75fs)

Gene: HNRNPDL (heterogeneous nuclear ribonucleoprotein D like; minus strand). Cytogenetic location: 4q21.22.
Variant type: Deletion.
Coding change: c.222_244del on transcript NM_031372.4 (MANE Select); coding-DNA positions 222 to 244, 23 bases deleted (TATAAAGGGAGGGCGCAGGCGGC).
Protein change: p.Ile75fs; shifts the reading frame from isoleucine 75.
Molecular consequence: frameshift variant. On other transcripts: non-coding transcript variant (1).
Genome position (GRCh38, 1-based): chr4:82,429,447-82,429,469, GCCGCCTGCGCCCTCCCTTTATA deleted on the plus strand (TATAAAGGGAGGGCGCAGGCGGC on the coding strand, the reverse complement: HNRNPDL is on the minus strand); deleting any 23 consecutive bases within chr4:82,429,447-82,429,475 gives the same sequence; the c. name uses the placement nearest the transcript's 3' end. VCF-style (leftmost placement, unchanged base first): chr4-82429446-CGCCGCCTGCGCCCTCCCTTTATA-C. GRCh37 (hg19) VCF-style: chr4-83350599-CGCCGCCTGCGCCCTCCCTTTATA-C.
Other names: c.222_244del, p.Ile75fs (NM_001207000.1); short protein forms I75fs.
Identifiers: ClinVar variation 3668546 (VCV003668546.2).

ClinVar aggregate classification (germline): Uncertain significance (1 of 4 stars; one submission).

Conditions:
Autosomal dominant limb-girdle muscular dystrophy type 1G (LGMDD3). Also called: Limb-girdle muscular dystrophy, type 1G; MUSCULAR DYSTROPHY, LIMB-GIRDLE, AUTOSOMAL DOMINANT 3. Identifiers: Orphanet 55596, MedGen C1836765, MONDO:0012193, OMIM 609115.

Submission:

Labcorp Genetics (formerly Invitae), Labcorp
Classification: Uncertain significance for Autosomal dominant limb-girdle muscular dystrophy type 1G. Last evaluated: 2024-03-12. Review status: criteria provided, single submitter. Criteria: Invitae Variant Classification Sherloc (09022015). Collection method: clinical testing. Allele origin: germline.
Comment: This sequence change creates a premature translational stop signal (p.Ile75Profs*9) in the HNRNPDL gene. It is expected to result in an absent or disrupted protein product. However, the current clinical and genetic evidence is not sufficient to establish whether loss-of-function variants in HNRNPDL cause disease. The frequency data for this variant in the population databases is considered unreliable, as metrics indicate poor data quality at this position in the gnomAD database. This variant has not been reported in the literature in individuals affected with HNRNPDL-related conditions. In summary, the available evidence is currently insufficient to determine the role of this variant in disease. Therefore, it has been classified as a Variant of Uncertain Significance.